The following is an entry in ClinVar:

ClinVar aggregate classification (germline): Likely benign (1 of 4 stars; one submission).

gnomAD v4.1: 128 of 1,343,110 alleles (0.0095%); highest among the groups gnomAD compares: Admixed American, 0.24%; no homozygotes.

Submission:

CeGaT Center for Human Genetics Tuebingen
Classification: Likely benign. Last evaluated: 2025-10-01. Review status: criteria provided, single submitter. Criteria: CeGaT Center For Human Genetics Tuebingen Variant Classification Criteria Version 2. Collection method: clinical testing. Allele origin: germline. Affected: yes. Observed: 1 variant allele.
Comment: ANO1: BP4, BP7

NM_018043.7(ANO1):c.435C>T (p.Asp145=)

Gene: ANO1 (anoctamin 1; plus strand). Cytogenetic location: 11q13.3.
Variant type: single nucleotide variant.
Coding change: c.435C>T on transcript NM_018043.7 (MANE Select); coding-DNA position 435, C replaced by T.
Protein change: p.Asp145=; no amino-acid change (aspartic acid 145 retained).
Molecular consequence: synonymous variant. On other transcripts: non-coding transcript variant (1).
Genome position (GRCh38, 1-based): chr11:70,088,078, C>T. VCF-style: chr11-70088078-C-T. GRCh37 (hg19) VCF-style: chr11-69934184-C-T.
Other names: c.558C>T, p.Asp186= (NM_001378092.1); c.435C>T, p.Asp145= (NM_001378093.1, NM_001378094.2, NM_001378095.2 and 2 more transcripts).
Identifiers: ClinVar variation 4534024 (VCV004534024.6).
Genomic context (GRCh38, chr11:70,088,078, plus strand): 5'-CTTCCGCAGGGAGGAGTACGAGGGCAACCTCCTGGAGGCGGGCCTGGAGCTGGAGCGGGA[C>T]GAGGACGTAACTATCTCACTGCGCGCTGTTTGTGGGGGGTGGGGGGTGGGCTGCGTGGGG-3'
Protein context (NP_060513.5, residues 135-155): LLEAGLELER[Asp145=]EDTKIHGVGF